The following is an entry in ClinVar:

ClinVar aggregate classification (germline): Uncertain significance (1 of 4 stars; one submission).

Conditions:
Dyskeratosis congenita. Identifiers: Orphanet 1775, MedGen C0265965, MONDO:0015780.

Submission:

Ambry Genetics
Classification: Uncertain significance for Dyskeratosis congenita. Last evaluated: 2026-06-20. Review status: criteria provided, single submitter. Criteria: Ambry Variant Classification Scheme 2023. Collection method: clinical testing. Allele origin: germline.
Comment: The p.A288T variant (also known as c.862G>A), located in coding exon 2 of the TERT gene, results from a G to A substitution at nucleotide position 862. The alanine at codon 288 is replaced by threonine, an amino acid with similar properties. This amino acid position is conserved. In addition, this alteration is predicted to be tolerated by in silico analysis. Based on the available evidence, the clinical significance of this variant remains unclear.

NM_198253.3(TERT):c.862G>A (p.Ala288Thr)

Gene: TERT (telomerase reverse transcriptase; minus strand). Cytogenetic location: 5p15.33.
Variant type: single nucleotide variant.
Coding change: c.862G>A on transcript NM_198253.3 (MANE Select); coding-DNA position 862, G replaced by A.
Protein change: p.Ala288Thr; replaces alanine 288 with threonine.
Molecular consequence: missense variant. On other transcripts: non-coding transcript variant (2).
Genome position (GRCh38, 1-based): chr5:1,294,024, C>T on the plus strand (G>A on the coding strand, the complement: TERT is on the minus strand). VCF-style: chr5-1294024-C-T. GRCh37 (hg19) VCF-style: chr5-1294139-C-T.
Other names: c.862G>A, p.Ala288Thr (NM_001193376.3); short protein forms A288T.
Identifiers: ClinVar variation 5030629 (VCV005030629.1).